The following is an entry in ClinVar:

NM_001267550.2(TTN):c.101676dup (p.Glu33893Ter)

Genes: TTN (titin; minus strand), TTN-AS1 (TTN antisense RNA 1; plus strand). Cytogenetic location: 2q31.2.
Variant type: Duplication.
Coding change: c.101676dup on transcript NM_001267550.2 (MANE Select); coding-DNA position 101676, one base duplicated (T; older notation c.101676dupT).
Protein change: p.Glu33893Ter; replaces glutamic acid 33893 with a stop codon.
Molecular consequence: nonsense.
Genome position (GRCh38, 1-based): chr2:178,534,939, A duplicated on the plus strand (T on the coding strand, the reverse complement: TTN is on the minus strand); the first of 3 consecutive A bases (chr2:178,534,939-178,534,941); duplicating any one gives the same sequence. VCF-style (leftmost placement, unchanged base first): chr2-178534938-C-CA. GRCh37 (hg19) VCF-style: chr2-179399665-C-CA.
Other names: c.96753dup, p.Glu32252Ter (NM_001256850.1); c.74481dup, p.Glu24828Ter (NM_003319.4); c.93972dup, p.Glu31325Ter (NM_133378.4); c.74856dup, p.Glu24953Ter (NM_133432.3); c.75057dup, p.Glu25020Ter (NM_133437.4); short protein forms E24953*, E32252*, E24828*, E25020*, E31325*, E33893*.
Identifiers: ClinVar variation 2953701 (VCV002953701.3), dbSNP rs2468554627, ClinGen allele CA2740095901.

ClinVar aggregate classification (germline): Likely pathogenic (1 of 4 stars; one submission).

Conditions:
Autosomal recessive limb-girdle muscular dystrophy type 2J (LGMDR10). Also called: Limb-girdle muscular dystrophy, type 2J; MUSCULAR DYSTROPHY, LIMB-GIRDLE, AUTOSOMAL RECESSIVE 10. Identifiers: Orphanet 140922, MedGen C1837342, MONDO:0012127, OMIM 608807.
Dilated cardiomyopathy 1G (CMD1G). Identifiers: Orphanet 154, MedGen C1858763, MONDO:0011400, OMIM 604145.

Submission:

Labcorp Genetics (formerly Invitae), Labcorp
Classification: Likely pathogenic for Dilated cardiomyopathy 1G; Autosomal recessive limb-girdle muscular dystrophy type 2J. Last evaluated: 2023-11-08. Review status: criteria provided, single submitter. Criteria: Invitae Variant Classification Sherloc (09022015). Collection method: clinical testing. Allele origin: germline.
Comment: This sequence change creates a premature translational stop signal (p.Glu33893*) in the TTN gene. While this is not anticipated to result in nonsense mediated decay, it is expected to create a truncated TTN protein. This variant is not present in population databases (gnomAD no frequency). This variant has not been reported in the literature in individuals affected with TTN-related conditions. This variant is located in the M band of TTN (PMID: 25589632). Truncating variants in this region have been previously reported in individuals affected with autosomal recessive myopathy and muscular dystrophy (PMID: 18948003, 23975875, 24395473). Truncating variants in this region have also been identified in individuals affected with autosomal dominant dilated cardiomyopathy and/or cardio-related conditions (PMID: 27869827, 32964742). In summary, the currently available evidence indicates that the variant is pathogenic, but additional data are needed to prove that conclusively. Therefore, this variant has been classified as Likely Pathogenic.

Literature cited by the submitters: PubMed 25589632; PubMed 18948003; PubMed 23975875; PubMed 24395473; PubMed 27869827; PubMed 32964742.